The following is an entry in ClinVar:

ClinVar aggregate classification (germline): Uncertain significance. Review status: criteria provided, multiple submitters, no conflicts (2 of 4 stars). 3 submissions from 3 submitters: Uncertain significance (3). Last evaluated 2025-07-02.

Conditions:
Cardiovascular phenotype. Identifiers: MedGen CN230736.
Long QT syndrome (LQTS). Identifiers: MedGen C0023976, MeSH D008133, MONDO:0002442. Disease mechanism: loss of function. Inheritance: Various modes of inheritance.

gnomAD v4.1: 1 of 1,613,796 alleles (0.000062%); highest among the groups gnomAD compares: Non-Finnish European, 0.000085%; no homozygotes.

Submissions (3):

GeneDx
Classification: Uncertain significance. Last evaluated: 2025-07-02. Review status: criteria provided, single submitter. Criteria: GeneDx Variant Classification Process June 2021. Collection method: clinical testing. Allele origin: germline. Affected: yes.
Comment: In silico analysis supports that this missense variant has a deleterious effect on protein structure/function; Not observed at significant frequency in large population cohorts (gnomAD); Has not been previously published as pathogenic or benign to our knowledge

Ambry Genetics
Classification: Uncertain significance for Cardiovascular phenotype. Last evaluated: 2024-04-27. Review status: criteria provided, single submitter. Criteria: Ambry Variant Classification Scheme 2023. Collection method: clinical testing. Allele origin: germline.
Comment: The p.A1375T variant (also known as c.4123G>A), located in coding exon 33 of the CACNA1C gene, results from a G to A substitution at nucleotide position 4123. The alanine at codon 1375 is replaced by threonine, an amino acid with similar properties. This amino acid position is highly conserved in available vertebrate species. In addition, this alteration is predicted to be deleterious by in silico analysis. Based on the available evidence, the clinical significance of this variant remains unclear.

Labcorp Genetics (formerly Invitae), Labcorp
Classification: Uncertain significance for Long QT syndrome. Last evaluated: 2023-11-17. Review status: criteria provided, single submitter. Criteria: Invitae Variant Classification Sherloc (09022015). Collection method: clinical testing. Allele origin: germline.
Comment: This sequence change replaces alanine, which is neutral and non-polar, with threonine, which is neutral and polar, at codon 1375 of the CACNA1C protein (p.Ala1375Thr). This variant is not present in population databases (gnomAD no frequency). This variant has not been reported in the literature in individuals affected with CACNA1C-related conditions. Advanced modeling of protein sequence and biophysical properties (such as structural, functional, and spatial information, amino acid conservation, physicochemical variation, residue mobility, and thermodynamic stability) performed at Invitae indicates that this missense variant is expected to disrupt CACNA1C protein function with a positive predictive value of 95%. In summary, the available evidence is currently insufficient to determine the role of this variant in disease. Therefore, it has been classified as a Variant of Uncertain Significance.

NM_000719.7(CACNA1C):c.4123G>A (p.Ala1375Thr)

Gene: CACNA1C (calcium voltage-gated channel subunit alpha1 C; plus strand). Cytogenetic location: 12p13.33.
Variant type: single nucleotide variant.
Coding change: c.4123G>A on transcript NM_000719.7 (MANE Select); coding-DNA position 4123, G replaced by A.
Protein change: p.Ala1375Thr; replaces alanine 1375 with threonine.
Molecular consequence: missense variant.
Genome position (GRCh38, 1-based): chr12:2,653,883, G>A. VCF-style: chr12-2653883-G-A. GRCh37 (hg19) VCF-style: chr12-2763049-G-A.
Other names: c.4267G>A, p.Ala1423Thr (NM_001129827.2, NM_199460.4); c.4189G>A, p.Ala1397Thr (NM_001129829.2); c.4123G>A, p.Ala1375Thr (NM_001129830.3, NM_001129833.2, NM_001129834.2 and 7 more transcripts); c.4207G>A, p.Ala1403Thr (NM_001129831.2); c.4183G>A, p.Ala1395Thr (NM_001129832.2); c.4174G>A, p.Ala1392Thr (NM_001129836.2); c.4090G>A, p.Ala1364Thr (NM_001129837.2, NM_001129838.2, NM_001129846.2 and 1 more transcripts); c.4084G>A, p.Ala1362Thr (NM_001129839.2); and 1 more; short protein forms A1364T, A1423T, A1362T, A1372T, A1392T, A1397T, A1375T, A1395T.
Identifiers: ClinVar variation 2728096 (VCV002728096.5), dbSNP rs2095261895, ClinGen allele CA383374023.